The following is an entry in ClinVar:

NM_001367624.2(ZNF469):c.9715C>T (p.His3239Tyr)

Gene: ZNF469 (zinc finger protein 469; plus strand). Cytogenetic location: 16q24.2.
Variant type: single nucleotide variant.
Coding change: c.9715C>T on transcript NM_001367624.2 (MANE Select); coding-DNA position 9715, C replaced by T.
Protein change: p.His3239Tyr; replaces histidine 3239 with tyrosine.
Molecular consequence: missense variant.
Genome position (GRCh38, 1-based): chr16:88,437,185, C>T. VCF-style: chr16-88437185-C-T. GRCh37 (hg19) VCF-style: chr16-88503593-C-T.
Other names: NM_001127464.1:c.9631C>T; short protein forms H3239Y.
Identifiers: ClinVar variation 2449435 (VCV002449435.2), dbSNP rs2507604068, ClinGen allele CA397124558.

ClinVar aggregate classification (germline): Uncertain significance (1 of 4 stars; one submission).

Conditions:
Cardiovascular phenotype. Identifiers: MedGen CN230736.

Submission:

Ambry Genetics
Classification: Uncertain significance for Cardiovascular phenotype. Last evaluated: 2022-11-07. Review status: criteria provided, single submitter. Criteria: Ambry Variant Classification Scheme 2023. Collection method: clinical testing. Allele origin: germline.
Comment: The p.H3211Y variant (also known as c.9631C>T), located in coding exon 2 of the ZNF469 gene, results from a C to T substitution at nucleotide position 9631. The histidine at codon 3211 is replaced by tyrosine, an amino acid with similar properties. This amino acid position is conserved. In addition, this alteration is predicted to be tolerated by in silico analysis. Since supporting evidence is limited at this time, the clinical significance of this alteration remains unclear.